The following is an entry in ClinVar:

ClinVar aggregate classification (germline): Uncertain significance (1 of 4 stars; one submission).

Allele frequency attached by ClinVar (database versions not stated): gnomAD exomes below 0.00001; TOPMed 0.00001.

Submission:

Labcorp Genetics (formerly Invitae), Labcorp
Classification: Uncertain significance. Last evaluated: 2026-01-19. Review status: criteria provided, single submitter. Criteria: Invitae Variant Classification Sherloc (09022015). Collection method: clinical testing. Allele origin: germline.
Comment: This sequence change replaces tyrosine, which is neutral and polar, with cysteine, which is neutral and slightly polar, at codon 137 of the GH1 protein (p.Tyr137Cys). This variant is present in population databases (no rsID available, gnomAD 0.003%). This variant has not been reported in the literature in individuals affected with GH1-related conditions. ClinVar contains an entry for this variant (Variation ID: 2184898). An algorithm developed to predict the effect of missense changes on protein structure and function (PolyPhen-2) suggests that this variant is likely to be disruptive. In summary, the available evidence is currently insufficient to determine the role of this variant in disease. Therefore, it has been classified as a Variant of Uncertain Significance.

NM_000515.5(GH1):c.410A>G (p.Tyr137Cys)

Genes: GH-LCR (growth hormone locus control region; plus strand), GH1 (growth hormone 1; minus strand). Cytogenetic location: 17q23.3.
Variant type: single nucleotide variant.
Coding change: c.410A>G on transcript NM_000515.5 (MANE Select); coding-DNA position 410, A replaced by G.
Protein change: p.Tyr137Cys; replaces tyrosine 137 with cysteine.
Molecular consequence: missense variant.
Genome position (GRCh38, 1-based): chr17:63,917,806, T>C on the plus strand (A>G on the coding strand, the complement: GH1 is on the minus strand). VCF-style: chr17-63917806-T-C. GRCh37 (hg19) VCF-style: chr17-61995166-T-C.
Other names: c.365A>G, p.Tyr122Cys (NM_022559.4); c.290A>G, p.Tyr97Cys (NM_022560.4); short protein forms Y122C, Y137C, Y97C.
Identifiers: ClinVar variation 2184898 (VCV002184898.4), dbSNP rs1438956377, ClinGen allele CA400611640.